The following is an entry in ClinVar:

NM_003482.4(KMT2D):c.11016C>G (p.Phe3672Leu)

Gene: KMT2D (lysine methyltransferase 2D; minus strand). Cytogenetic location: 12q13.12.
Variant type: single nucleotide variant.
Coding change: c.11016C>G on transcript NM_003482.4 (MANE Select); coding-DNA position 11016, C replaced by G.
Protein change: p.Phe3672Leu; replaces phenylalanine 3672 with leucine.
Molecular consequence: missense variant.
Genome position (GRCh38, 1-based): chr12:49,033,689, G>C on the plus strand (C>G on the coding strand, the complement: KMT2D is on the minus strand). VCF-style: chr12-49033689-G-C. GRCh37 (hg19) VCF-style: chr12-49427472-G-C.
Other names: short protein forms F3672L.
Identifiers: ClinVar variation 4689399 (VCV004689399.1).

ClinVar aggregate classification (germline): Uncertain significance (1 of 4 stars; one submission).

gnomAD v4.1: 18 of 1,613,712 alleles (0.0011%); highest among the groups gnomAD compares: Admixed American, 0.005%; no homozygotes.

Submission:

Women's Health and Genetics/Laboratory Corporation of America, LabCorp
Classification: Uncertain significance. Last evaluated: 2026-01-14. Review status: criteria provided, single submitter. Criteria: LabCorp Variant Classification Summary - May 2015. Collection method: clinical testing. Allele origin: germline.
Comment: Variant summary: KMT2D c.11016C>G (p.Phe3672Leu) results in a non-conservative amino acid change in the encoded protein sequence. Algorithms developed to predict the effect of missense changes on protein structure and function are either unavailable or do not agree on the potential impact of this missense change. The variant allele was found at a frequency of 1.2e-05 in 248728 control chromosomes. The available data on variant occurrences in the general population are insufficient to allow any conclusion about variant significance. To our knowledge, no occurrence of c.11016C>G in individuals affected with KMT2D-related conditions and no experimental evidence demonstrating its impact on protein function have been reported. No submitters have cited clinical-significance assessments for this variant to ClinVar. Based on the evidence outlined above, the variant was classified as uncertain significance.